The following is an entry in ClinVar:

NM_001365999.1(SZT2):c.7162G>A (p.Glu2388Lys)

Gene: SZT2 (SZT2 subunit of KICSTOR complex; plus strand). Cytogenetic location: 1p34.2.
Variant type: single nucleotide variant.
Coding change: c.7162G>A on transcript NM_001365999.1 (MANE Select); coding-DNA position 7162, G replaced by A.
Protein change: p.Glu2388Lys; replaces glutamic acid 2388 with lysine.
Molecular consequence: missense variant.
Genome position (GRCh38, 1-based): chr1:43,440,000, G>A. VCF-style: chr1-43440000-G-A. GRCh37 (hg19) VCF-style: chr1-43905671-G-A.
Other names: c.6991G>A, p.Glu2331Lys (NM_015284.4); short protein forms E2331K, E2388K.
Identifiers: ClinVar variation 1036526 (VCV001036526.8), dbSNP rs779077204, ClinGen allele CA810126.

ClinVar aggregate classification (germline): Uncertain significance (1 of 4 stars; one submission).

Allele frequency attached by ClinVar (database versions not stated): gnomAD exomes below 0.00001; ExAC 0.00001.
gnomAD v4.1: 2 of 1,614,114 alleles (0.00012%); highest among the groups gnomAD compares: Non-Finnish European, 0.00017%; no homozygotes.

Submission:

Labcorp Genetics (formerly Invitae), Labcorp
Classification: Uncertain significance. Last evaluated: 2024-02-17. Review status: criteria provided, single submitter. Criteria: Invitae Variant Classification Sherloc (09022015). Collection method: clinical testing. Allele origin: germline.
Comment: This sequence change replaces glutamic acid, which is acidic and polar, with lysine, which is basic and polar, at codon 2331 of the SZT2 protein (p.Glu2331Lys). This variant is present in population databases (rs779077204, gnomAD 0.0009%). This variant has not been reported in the literature in individuals affected with SZT2-related conditions. ClinVar contains an entry for this variant (Variation ID: 1036526). Advanced modeling of protein sequence and biophysical properties (such as structural, functional, and spatial information, amino acid conservation, physicochemical variation, residue mobility, and thermodynamic stability) performed at Invitae indicates that this missense variant is expected to disrupt SZT2 protein function with a positive predictive value of 80%. In summary, the available evidence is currently insufficient to determine the role of this variant in disease. Therefore, it has been classified as a Variant of Uncertain Significance.